The following is an entry in ClinVar:

NM_001257180.2(SLC20A2):c.614-4C>T

Gene: SLC20A2 (solute carrier family 20 member 2; minus strand). Cytogenetic location: 8p11.21.
Variant type: single nucleotide variant.
Coding change: c.614-4C>T on transcript NM_001257180.2 (MANE Select); 4 bases into the intron before coding-DNA position 614, C replaced by T.
Molecular consequence: intron variant.
Genome position (GRCh38, 1-based): chr8:42,444,766, G>A on the plus strand (C>T on the coding strand, the complement: SLC20A2 is on the minus strand). VCF-style: chr8-42444766-G-A. GRCh37 (hg19) VCF-style: chr8-42302284-G-A.
Other names: c.614-4C>T (NM_006749.5, NM_001257181.2, NM_001257180.1).
Identifiers: ClinVar variation 3069059 (VCV003069059.4), dbSNP rs757805383, ClinGen allele CA4733507.

ClinVar aggregate classification (germline): Conflicting classifications of pathogenicity. Review status: criteria provided, conflicting classifications (1 of 4 stars). 3 submissions from 3 submitters: Uncertain significance (1); Likely benign (2). Last evaluated 2024-12-20.

Conditions:
SLC20A2-related disorder. Also called: SLC20A2-related condition.

Allele frequency attached by ClinVar (database versions not stated): ExAC 0.00001; gnomAD 0.00001; gnomAD exomes 0.00004; TOPMed 0.00004.
gnomAD v4.1: 52 of 1,610,542 alleles (0.0032%); highest among the groups gnomAD compares: Non-Finnish European, 0.0042%; no homozygotes.

Submissions (3):

PreventionGenetics, part of Exact Sciences
Classification: Likely benign for SLC20A2-related condition. Last evaluated: 2024-12-20. Review status: criteria provided, single submitter. Criteria: ACMG Guidelines, 2015. Collection method: clinical testing. Allele origin: germline.
Comment: This variant is classified as likely benign based on ACMG/AMP sequence variant interpretation guidelines (Richards et al. 2015 PMID: 25741868, with internal and published modifications).

Blueprint Genetics
Classification: Likely benign. Last evaluated: 2024-06-24. Review status: criteria provided, single submitter. Criteria: ACMG Guidelines, 2015. Collection method: clinical testing. Allele origin: germline.

Women's Health and Genetics/Laboratory Corporation of America, LabCorp
Classification: Uncertain significance. Last evaluated: 2024-02-07. Review status: criteria provided, single submitter. Criteria: LabCorp Variant Classification Summary - May 2015. Collection method: clinical testing. Allele origin: germline.
Comment: Variant summary: SLC20A2 c.614-4C>T alters a non-conserved nucleotide located close to a canonical splice site and therefore could affect mRNA splicing, leading to a significantly altered protein sequence. Consensus agreement among computation tools predict no significant impact on normal splicing. However, these predictions have yet to be confirmed by functional studies. The variant allele was found at a frequency of 1.6e-05 in 250924 control chromosomes. The available data on variant occurrences in the general population are insufficient to allow any conclusion about variant significance. To our knowledge, no occurrence of c.614-4C>T in individuals affected with Idiopathic Basal Ganglia Calcification 1 and no experimental evidence demonstrating its impact on protein function have been reported. No submitters have cited clinical-significance assessments for this variant to ClinVar. Based on the evidence outlined above, the variant was classified as uncertain significance.